The following is an entry in ClinVar:

ClinVar aggregate classification (germline): Benign/Likely benign. Review status: criteria provided, multiple submitters, no conflicts (2 of 4 stars). 10 submissions from 9 submitters: Benign (5); Likely benign (2). 3 of the submissions do not count toward it. Last evaluated 2026-02-04.

Conditions:
HSD17B4-related disorder. Also called: HSD17B4-related disorders; HSD17B4-related condition.
Bifunctional peroxisomal enzyme deficiency (DBIF). Also called: PBFE DEFICIENCY; DBP DEFICIENCY; D-bifunctional protein deficiency. Identifiers: Orphanet 300, MedGen C0342870, MONDO:0009855, OMIM 261515. Disease mechanism: loss of function.
Perrault syndrome. Also called: Gonadal dysgenesis with auditory dysfunction, autosomal recessive inheritance. Identifiers: Orphanet 2855, MedGen C0685838, MONDO:0017312.
Perrault syndrome 1 (PRLTS1). Also called: GONADAL DYSGENESIS, XX TYPE, WITH DEAFNESS; OVARIAN DYSGENESIS WITH SENSORINEURAL DEAFNESS. Identifiers: Orphanet 2855, Orphanet 642945, MedGen C4551721, MONDO:0009300, OMIM 233400.

Allele frequency attached by ClinVar (database versions not stated): gnomAD 0.00014 and 0.00175; TOPMed 0.00045; gnomAD exomes 0.00261 and 0.00564; ExAC 0.00610; 1000 Genomes Project 30x 0.01046; 1000 Genomes Project 0.01098.
gnomAD v4.1: 3,985 of 1,571,114 alleles (0.25%); highest among the groups gnomAD compares: South Asian, 4%; 120 homozygotes.

Submissions (10):

Labcorp Genetics (formerly Invitae), Labcorp
Classification: Benign for Perrault syndrome; Bifunctional peroxisomal enzyme deficiency. Last evaluated: 2026-02-04. Review status: criteria provided, single submitter. Criteria: Invitae Variant Classification Sherloc (09022015). Collection method: clinical testing. Allele origin: germline.

GeneDx
Classification: Likely benign. Last evaluated: 2018-07-17. Review status: criteria provided, single submitter. Criteria: GeneDx Variant Classification Process June 2021. Collection method: clinical testing. Allele origin: germline. Affected: yes.

Illumina Laboratory Services, Illumina
Classification: Benign for Bifunctional peroxisomal enzyme deficiency. Last evaluated: 2018-01-13. Review status: criteria provided, single submitter. Criteria: ICSL Variant Classification Criteria 13 December 2019. Collection method: clinical testing. Allele origin: germline.
Comment: This variant was observed in the ICSL laboratory as part of a predisposition screen in an ostensibly healthy population. It had not been previously curated by ICSL or reported in the Human Gene Mutation Database (HGMD: prior to June 1st, 2018), and was therefore a candidate for classification through an automated scoring system. Utilizing variant allele frequency, disease prevalence and penetrance estimates, and inheritance mode, an automated score was calculated to assess if this variant is too frequent to cause the disease. Based on the score and internal cut-off values, a variant classified as benign is not then subjected to further curation. The score for this variant resulted in a classification of benign for this disease.

Illumina Laboratory Services, Illumina
Classification: Benign for Perrault syndrome 1. Last evaluated: 2018-01-13. Review status: criteria provided, single submitter. Criteria: ICSL Variant Classification Criteria 13 December 2019. Collection method: clinical testing. Allele origin: germline.
Comment: the same text as in the submission from Illumina Laboratory Services, Illumina above.

Laboratory for Molecular Medicine, Mass General Brigham Personalized Medicine
Classification: Benign. Last evaluated: 2017-12-14. Review status: criteria provided, single submitter. Criteria: LMM Criteria. Collection method: clinical testing. Allele origin: germline. Observed: 1 variant allele.
Comment: c.1842+8T>C in intron 21 of HSD17B4: This variant is not expected to have clinic al significance because it is not located within the conserved splice consensus sequence. It has been identified in 4.3% (1330/30724) of South Asian chromosomes including 44 homozygotes by the Genome Aggregation Database (gnomAD; dbSNP rs190659146).

Eurofins Ntd Llc (ga)
Classification: Benign. Last evaluated: 2015-04-15. Review status: criteria provided, single submitter. Criteria: EGL Classification Definitions 2015. Collection method: clinical testing. Allele origin: germline. Observed: 1 variant allele, 1 heterozygote.

Breakthrough Genomics
Classification: Likely benign. Review status: criteria provided, single submitter. Criteria: ACMG Guidelines, 2015. Collection method: not provided. Allele origin: germline. Inheritance: Autosomal recessive inheritance. Affected: yes.

PreventionGenetics, part of Exact Sciences
Classification: Benign for HSD17B4-related condition. Last evaluated: 2022-03-04. Review status: no assertion criteria provided. Collection method: clinical testing. Allele origin: germline. Not counted in ClinVar's aggregate classification.
Comment: This variant is classified as benign based on ACMG/AMP sequence variant interpretation guidelines (Richards et al. 2015 PMID: 25741868, with internal and published modifications).

Natera, Inc.
Classification: Benign for Bifunctional peroxisomal enzyme deficiency. Last evaluated: 2020-09-16. Review status: no assertion criteria provided. Collection method: clinical testing. Allele origin: germline. Not counted in ClinVar's aggregate classification.

Mayo Clinic Laboratories, Mayo Clinic
Classification: Benign. Last evaluated: 2017-07-26. Review status: no assertion criteria provided. Collection method: clinical testing. Allele origin: unknown. Not counted in ClinVar's aggregate classification.

NM_000414.4(HSD17B4):c.1767+8T>C

Gene: HSD17B4 (hydroxysteroid 17-beta dehydrogenase 4; plus strand). Cytogenetic location: 5q23.1.
Variant type: single nucleotide variant.
Coding change: c.1767+8T>C on transcript NM_000414.4 (MANE Select); 8 bases into the intron after coding-DNA position 1767, T replaced by C.
Molecular consequence: intron variant.
Genome position (GRCh38, 1-based): chr5:119,527,227, T>C. VCF-style: chr5-119527227-T-C. GRCh37 (hg19) VCF-style: chr5-118862922-T-C.
Other names: c.1356+8T>C (NM_001374503.1, NM_001374502.1, NM_001374501.1); c.1842+8T>C (NM_001199291.3); c.1440+8T>C (NM_001374499.1); c.1326+8T>C (NM_001374500.1); c.1347+8T>C (NM_001292028.2); c.1695+8T>C (NM_001292027.2, NM_001374498.1); c.1758+8T>C (NM_001374497.1); c.1713+8T>C (NM_001199292.2).
Identifiers: ClinVar variation 195459 (VCV000195459.31), dbSNP rs190659146, ClinGen allele CA201765.